The following is an entry in ClinVar:

NM_000283.4(PDE6B):c.992+1G>A

Genes: PDE6B-AS1 (PDE6B antisense RNA 1; minus strand), PDE6B (phosphodiesterase 6B; plus strand). Cytogenetic location: 4p16.3.
Variant type: single nucleotide variant.
Coding change: c.992+1G>A on transcript NM_000283.4 (MANE Select); the canonical splice donor site of the intron after coding-DNA position 992, G replaced by A.
Molecular consequence: splice donor variant.
Genome position (GRCh38, 1-based): chr4:654,889, G>A. VCF-style: chr4-654889-G-A. GRCh37 (hg19) VCF-style: chr4-648678-G-A.
Other names: c.992+1G>A (NM_001145291.2); c.155+1G>A (NM_001379246.1, NM_001379247.1, NM_001145292.2 and 1 more transcripts); c.-49+1G>A (NM_001350155.3).
Identifiers: ClinVar variation 867185 (VCV000867185.12), dbSNP rs898144119, ClinGen allele CA91079178.

ClinVar aggregate classification (germline): Pathogenic. Review status: criteria provided, multiple submitters, no conflicts (2 of 4 stars). 6 submissions from 6 submitters: Pathogenic (5). 1 of the submissions does not count toward it. Last evaluated 2026-07-29.

Conditions:
Retinitis pigmentosa 40 (RP40). Identifiers: Orphanet 791, MedGen C3151107, MONDO:0013429, OMIM 613801.
Autosomal recessive retinitis pigmentosa. Identifiers: MedGen C0339526.
Retinal disorder. Also called: Retinopathy; Retinal disorders; Retinopathies; Retinal Diseases. Identifiers: MedGen C0035309, MONDO:0005283, HP:0000488.
PDE6B-related disorder. Also called: PDE6B-related disease; PDE6B-related condition; PDE6B-related disorders.

Allele frequency attached by ClinVar (database versions not stated): gnomAD exomes 0.00001; gnomAD 0.00002; TOPMed 0.00002.
gnomAD v4.1: 8 of 1,501,234 alleles (0.00053%); highest among the groups gnomAD compares: South Asian, 0.0022%; no homozygotes.

Submissions (6):

Genetics Laboratory, Great Ormond Street Hospital NHS Foundation Trust, North Thames Genomic Laboratory Hub
Classification: Pathogenic for Retinal disorders. Last evaluated: 2026-07-29. Review status: criteria provided, single submitter. Criteria: ACGS Best Practice Guidelines for Variant Classification in Rare Disease 2024 v1.2. Collection method: clinical testing. Allele origin: germline. Affected: yes.
Comment: PM2_moderate, PVS1_very-strong, PM3_moderate

Revvity Omics, Revvity
Classification: Pathogenic. Last evaluated: 2024-12-09. Review status: criteria provided, single submitter. Criteria: ACMG Guidelines, 2015. Collection method: clinical testing. Allele origin: germline.

Blueprint Genetics
Classification: Pathogenic for PDE6B-related disorders. Last evaluated: 2024-11-08. Review status: criteria provided, single submitter. Criteria: ACMG Guidelines, 2015. Collection method: clinical testing. Allele origin: germline. Affected: yes. Observed: 5 variant alleles.

Labcorp Genetics (formerly Invitae), Labcorp
Classification: Pathogenic. Last evaluated: 2024-10-02. Review status: criteria provided, single submitter. Criteria: Invitae Variant Classification Sherloc (09022015). Collection method: clinical testing. Allele origin: germline.
Comment: This sequence change affects a donor splice site in intron 6 of the PDE6B gene. It is expected to disrupt RNA splicing. Variants that disrupt the donor or acceptor splice site typically lead to a loss of protein function (PMID: 16199547), and loss-of-function variants in PDE6B are known to be pathogenic (PMID: 8394174, 8595886, 22334370). This variant is present in population databases (no rsID available, gnomAD 0.006%). Disruption of this splice site has been observed in individuals with autosomal recessive retinal dystrophy and/or retinitis pigmentosa (PMID: 3203739, 26355662, 30054919, 35272565). It has also been observed to segregate with disease in related individuals. ClinVar contains an entry for this variant (Variation ID: 867185). Algorithms developed to predict the effect of sequence changes on RNA splicing suggest that this variant may disrupt the consensus splice site. For these reasons, this variant has been classified as Pathogenic.

Genomic Medicine Center of Excellence, King Faisal Specialist Hospital and Research Centre
Classification: Pathogenic for Retinitis pigmentosa 40. Last evaluated: 2024-09-22. Review status: criteria provided, single submitter. Criteria: ACMG Guidelines, 2015. Collection method: clinical testing. Allele origin: germline.

Faculty of Health Sciences, Beirut Arab University
Classification: Pathogenic for Autosomal recessive Retinitis Pigmentosa. Last evaluated: 2018-09-03. Review status: no assertion criteria provided. Collection method: literature only. Allele origin: germline. Affected: yes. Observed: 2 variant alleles. Not counted in ClinVar's aggregate classification.

Literature cited by the submitters: PubMed 16199547 (cited by Labcorp Genetics (formerly Invitae), Labcorp); PubMed 8394174 (cited by Labcorp Genetics (formerly Invitae), Labcorp); PubMed 8595886 (cited by Labcorp Genetics (formerly Invitae), Labcorp); PubMed 22334370 (cited by Labcorp Genetics (formerly Invitae), Labcorp); PubMed 3203739 (cited by Labcorp Genetics (formerly Invitae), Labcorp); PubMed 26355662 (cited by Labcorp Genetics (formerly Invitae), Labcorp and Faculty of Health Sciences, Beirut Arab University); PubMed 30054919 (cited by Labcorp Genetics (formerly Invitae), Labcorp and Faculty of Health Sciences, Beirut Arab University); PubMed 35272565 (cited by Labcorp Genetics (formerly Invitae), Labcorp).